The following is an entry in ClinVar:

NM_203453.5(PLPP6):c.19A>G (p.Ser7Gly)

Genes: PLPP6 (phospholipid phosphatase 6; plus strand), SPATA6L (spermatogenesis associated 6 like; minus strand). Cytogenetic location: 9p24.1.
Variant type: single nucleotide variant.
Coding change: c.19A>G on transcript NM_203453.5 (MANE Select); coding-DNA position 19, A replaced by G.
Protein change: p.Ser7Gly; replaces serine 7 with glycine.
Molecular consequence: missense variant. On other transcripts: intron variant (6).
Genome position (GRCh38, 1-based): chr9:4,662,394, A>G. VCF-style: chr9-4662394-A-G. GRCh37 (hg19) VCF-style: chr9-4662394-A-G.
Other names: c.40-358T>C (NM_001039395.4, NM_001353484.2, NM_001353486.2 and 2 more transcripts); c.-606-358T>C (NM_001353491.2); short protein forms S7G.
Identifiers: ClinVar variation 3055713 (VCV003055713.2), dbSNP rs34250374, ClinGen allele CA4970002.

ClinVar aggregate classification (germline): Benign (0 of 4 stars; one submission).

Conditions:
PLPP6-related disorder. Also called: PLPP6-related condition.

Allele frequency attached by ClinVar (database versions not stated): ESP Exome Variant Server 0.07043; gnomAD 0.11692; TOPMed 0.11706; 1000 Genomes Project 30x 0.11774; 1000 Genomes Project 0.11981; ExAC 0.18484.
gnomAD v4.1: 202,675 of 1,532,596 alleles (13%); highest among the groups gnomAD compares: South Asian, 18%; 13,872 homozygotes.

Submission:

PreventionGenetics, part of Exact Sciences
Classification: Benign for PLPP6-related condition. Last evaluated: 2019-11-05. Review status: no assertion criteria provided. Collection method: clinical testing. Allele origin: germline.
Comment: This variant is classified as benign based on ACMG/AMP sequence variant interpretation guidelines (Richards et al. 2015 PMID: 25741868, with internal and published modifications).